The following is an entry in ClinVar:

NM_001008537.3(NEXMIF):c.4021C>G (p.Leu1341Val)

Gene: NEXMIF (neurite extension and migration factor; minus strand). Cytogenetic location: Xq13.3.
Variant type: single nucleotide variant.
Coding change: c.4021C>G on transcript NM_001008537.3 (MANE Select); coding-DNA position 4021, C replaced by G.
Protein change: p.Leu1341Val; replaces leucine 1341 with valine.
Molecular consequence: missense variant.
Genome position (GRCh38, 1-based): chrX:74,740,536, G>C on the plus strand (C>G on the coding strand, the complement: NEXMIF is on the minus strand). VCF-style: chrX-74740536-G-C. GRCh37 (hg19) VCF-style: chrX-73960371-G-C.
Other names: short protein forms L1341V.
Identifiers: ClinVar variation 426513 (VCV000426513.2), dbSNP rs1085307662, ClinGen allele CA413664212.

ClinVar aggregate classification (germline): Uncertain significance (1 of 4 stars; one submission).

Submission:

GeneDx
Classification: Uncertain significance. Last evaluated: 2017-04-13. Review status: criteria provided, single submitter. Criteria: GeneDx Variant Classification (06012015). Collection method: clinical testing. Allele origin: germline. Affected: yes.
Comment: The L1341V variant in the KIAA2022 gene has not been reported previously as a pathogenic variant, nor as a benign variant, to our knowledge. This variant is not observed in large population cohorts (Lek et al., 2016; 1000 Genomes Consortium et al., 2015; Exome Variant Server). The L1341V variant is a conservative amino acid substitution, which is not likely to impact secondary protein structure as these residues share similar properties, and occurs at a position where amino acids with similar properties to Leucine are tolerated across species. However, in silico analysis is inconsistent in its predictions as to whether or not the variant is damaging to the protein structure/function. We interpret L1341V as a variant of uncertain significance.